The following is an entry in ClinVar:

NM_000069.3(CACNA1S):c.4973G>T (p.Arg1658Leu)

Gene: CACNA1S (calcium voltage-gated channel subunit alpha1 S; minus strand). Cytogenetic location: 1q32.1.
Variant type: single nucleotide variant.
Coding change: c.4973G>T on transcript NM_000069.3 (MANE Select); coding-DNA position 4973, G replaced by T.
Protein change: p.Arg1658Leu; replaces arginine 1658 with leucine.
Molecular consequence: missense variant.
Genome position (GRCh38, 1-based): chr1:201,043,356, C>A on the plus strand (G>T on the coding strand, the complement: CACNA1S is on the minus strand). VCF-style: chr1-201043356-C-A. GRCh37 (hg19) VCF-style: chr1-201012484-C-A.
Other names: short protein forms R1658L.
Identifiers: ClinVar variation 3749934 (VCV003749934.2).

ClinVar aggregate classification (germline): Uncertain significance (1 of 4 stars; one submission).

Conditions:
Malignant hyperthermia, susceptibility to, 5 (MHS5). Also called: CACNA1S-Related Malignant Hyperthermia Susceptibility. Identifiers: Orphanet 423, MedGen C1866077, MONDO:0011163, OMIM 601887.
Hypokalemic periodic paralysis, type 1. Also called: Hypokalemic Periodic Paralysis Type 1 (AD); HypoPP. Identifiers: Orphanet 681, MedGen C3714580, MONDO:0042979, OMIM 170400.

Submission:

Labcorp Genetics (formerly Invitae), Labcorp
Classification: Uncertain significance for Hypokalemic periodic paralysis, type 1; Malignant hyperthermia, susceptibility to, 5. Last evaluated: 2025-10-18. Review status: criteria provided, single submitter. Criteria: Invitae Variant Classification Sherloc (09022015). Collection method: clinical testing. Allele origin: germline.
Comment: This sequence change replaces arginine, which is basic and polar, with leucine, which is neutral and non-polar, at codon 1658 of the CACNA1S protein (p.Arg1658Leu). This variant is not present in population databases (gnomAD no frequency). This variant has not been reported in the literature in individuals affected with CACNA1S-related conditions. ClinVar contains an entry for this variant (Variation ID: 3749934). Invitae Evidence Modeling of protein sequence and biophysical properties (such as structural, functional, and spatial information, amino acid conservation, physicochemical variation, residue mobility, and thermodynamic stability) indicates that this missense variant is not expected to disrupt CACNA1S protein function with a negative predictive value of 95%. In summary, the available evidence is currently insufficient to determine the role of this variant in disease. Therefore, it has been classified as a Variant of Uncertain Significance.